The following is an entry in ClinVar:

NM_001127208.3(TET2):c.5004dup (p.Lys1669Ter)

Genes: TET2 (tet methylcytosine dioxygenase 2; plus strand), TET2-AS1 (TET2 antisense RNA 1; minus strand). Cytogenetic location: 4q24.
Variant type: Duplication.
Coding change: c.5004dup on transcript NM_001127208.3 (MANE Select); coding-DNA position 5004, one base duplicated (T; older notation c.5004dupT).
Protein change: p.Lys1669Ter; replaces lysine 1669 with a stop codon.
Molecular consequence: nonsense.
Genome position (GRCh38, 1-based): chr4:105,275,514, T duplicated. VCF-style (leftmost placement, unchanged base first): chr4-105275513-C-CT. GRCh37 (hg19) VCF-style: chr4-106196670-C-CT.
Other names: short protein forms K1669*.
Identifiers: ClinVar variation 3368201 (VCV003368201.2).
Genomic context (GRCh38, chr4:105,275,513, plus strand): 5'-CCTATTCTCCCCAGTCTCAGCCGATGGATCTGTATAGGTATCCAAGCCAAGACCCTCTGT[C>CT]TAAGCTCAGTCTACCACCCATCCATACACTTTACCAGCCAAGGTTTGGAAATAGCCAGAG-3'

ClinVar aggregate classification (germline): Likely pathogenic (1 of 4 stars; one submission).

Submission:

GeneDx
Classification: Likely pathogenic. Last evaluated: 2026-10-08. Review status: criteria provided, single submitter. Criteria: GeneDx Variant Classification Process June 2021. Collection method: clinical testing. Allele origin: germline.
Comment: Nonsense variant predicted to result in protein truncation, as the last 334 amino acids are lost, and other loss-of-function variants have been reported downstream in HGMD; Not observed at significant frequency in large population cohorts (gnomAD); Has not been previously published as pathogenic or benign to our knowledge